The following is an entry in ClinVar:

ClinVar aggregate classification (germline): Uncertain significance (1 of 4 stars; one submission).

Allele frequency attached by ClinVar (database versions not stated): gnomAD exomes below 0.00001; ExAC 0.00001; TOPMed 0.00001.
gnomAD v4.1: 3 of 1,604,474 alleles (0.00019%); highest among the groups gnomAD compares: East Asian, 0.0067%; no homozygotes.

Submission:

Labcorp Genetics (formerly Invitae), Labcorp
Classification: Uncertain significance. Last evaluated: 2023-07-07. Review status: criteria provided, single submitter. Criteria: Invitae Variant Classification Sherloc (09022015). Collection method: clinical testing. Allele origin: germline.
Comment: This sequence change replaces valine, which is neutral and non-polar, with isoleucine, which is neutral and non-polar, at codon 45 of the RCBTB1 protein (p.Val45Ile). This variant is present in population databases (rs779061467, gnomAD 0.006%). This variant has not been reported in the literature in individuals affected with RCBTB1-related conditions. ClinVar contains an entry for this variant (Variation ID: 857980). Advanced modeling of protein sequence and biophysical properties (such as structural, functional, and spatial information, amino acid conservation, physicochemical variation, residue mobility, and thermodynamic stability) performed at Invitae indicates that this missense variant is not expected to disrupt RCBTB1 protein function. In summary, the available evidence is currently insufficient to determine the role of this variant in disease. Therefore, it has been classified as a Variant of Uncertain Significance.

NM_018191.4(RCBTB1):c.133G>A (p.Val45Ile)

Gene: RCBTB1 (RCC1 and BTB domain containing protein 1; minus strand). Cytogenetic location: 13q14.2.
Variant type: single nucleotide variant.
Coding change: c.133G>A on transcript NM_018191.4 (MANE Select); coding-DNA position 133, G replaced by A.
Protein change: p.Val45Ile; replaces valine 45 with isoleucine.
Molecular consequence: missense variant. On other transcripts: 5 prime UTR variant (1), non-coding transcript variant (2).
Genome position (GRCh38, 1-based): chr13:49,566,762, C>T on the plus strand (G>A on the coding strand, the complement: RCBTB1 is on the minus strand). VCF-style: chr13-49566762-C-T. GRCh37 (hg19) VCF-style: chr13-50140898-C-T.
Other names: c.133G>A, p.Val45Ile (NM_001352500.2, NM_001352501.2, NM_001352502.2 and 3 more transcripts); c.-477G>A (NM_001352506.2); short protein forms V45I.
Identifiers: ClinVar variation 857980 (VCV000857980.9), dbSNP rs779061467, ClinGen allele CA6982978.
Genomic context (GRCh38, chr13:49,566,762, plus strand): 5'-GTACAAGTGTACTCTGGTTATCTCCAGTTCCTAGACAGTTACTATAGTTCAGTCCAAATA[C>T]AAAGACCTAGAAAATAGATAGTTTTTTTTCTGAGTCTTTTGACCGAAAGCTGTATTAAAA-3'
Protein context (NP_060661.3, residues 35-55): LYVTDNDEVF[Val45Ile]FGLNYSNCLG